The following is an entry in ClinVar:

ClinVar aggregate classification (germline): Uncertain significance (1 of 4 stars; one submission).

Conditions:
Developmental and epileptic encephalopathy, 25 (DEE25). Also called: Epileptic encephalopathy, early infantile, 25; Developmental and epileptic encephalopathy 25, with amelogenesis imperfecta; Epileptic encephalopathy, early infantile, 25, with amelogenesis imperfecta. Identifiers: Orphanet 442835, MedGen C4014621, MONDO:0014392, OMIM 615905.

Submission:

Labcorp Genetics (formerly Invitae), Labcorp
Classification: Uncertain significance for Developmental and epileptic encephalopathy, 25. Last evaluated: 2024-08-13. Review status: criteria provided, single submitter. Criteria: Invitae Variant Classification Sherloc (09022015). Collection method: clinical testing. Allele origin: germline.
Comment: This sequence change replaces methionine, which is neutral and non-polar, with leucine, which is neutral and non-polar, at codon 88 of the SLC13A5 protein (p.Met88Leu). This variant is not present in population databases (gnomAD no frequency). This variant has not been reported in the literature in individuals affected with SLC13A5-related conditions. ClinVar contains an entry for this variant (Variation ID: 644685). Advanced modeling of protein sequence and biophysical properties (such as structural, functional, and spatial information, amino acid conservation, physicochemical variation, residue mobility, and thermodynamic stability) performed at Invitae indicates that this missense variant is not expected to disrupt SLC13A5 protein function with a negative predictive value of 80%. In summary, the available evidence is currently insufficient to determine the role of this variant in disease. Therefore, it has been classified as a Variant of Uncertain Significance.

NM_177550.5(SLC13A5):c.262A>C (p.Met88Leu)

Gene: SLC13A5 (solute carrier family 13 member 5; minus strand). Cytogenetic location: 17p13.1.
Variant type: single nucleotide variant.
Coding change: c.262A>C on transcript NM_177550.5 (MANE Select); coding-DNA position 262, A replaced by C.
Protein change: p.Met88Leu; replaces methionine 88 with leucine.
Molecular consequence: missense variant.
Genome position (GRCh38, 1-based): chr17:6,706,748, T>G on the plus strand (A>C on the coding strand, the complement: SLC13A5 is on the minus strand). VCF-style: chr17-6706748-T-G. GRCh37 (hg19) VCF-style: chr17-6610067-T-G.
Other names: c.262A>C, p.Met88Leu (NM_001143838.3, NM_001284509.2); c.133A>C, p.Met45Leu (NM_001284510.2); short protein forms M45L, M88L.
Identifiers: ClinVar variation 644685 (VCV000644685.11), dbSNP rs919457838, ClinGen allele CA397751061.